The following is an entry in ClinVar:

ClinVar aggregate classification (germline): Pathogenic (1 of 4 stars; one submission).

Submission:

Labcorp Genetics (formerly Invitae), Labcorp
Classification: Pathogenic. Last evaluated: 2025-09-28. Review status: criteria provided, single submitter. Criteria: Invitae Variant Classification Sherloc (09022015). Collection method: clinical testing. Allele origin: germline.
Comment: This sequence change replaces cysteine, which is neutral and slightly polar, with phenylalanine, which is neutral and non-polar, at codon 271 of the FRMD7 protein (p.Cys271Phe). This variant is not present in population databases (gnomAD no frequency). This missense change has been observed in individual(s) with infantile nystagmus (PMID: 18246032, 35705619). It has also been observed to segregate with disease in related individuals. An algorithm developed to predict the effect of missense changes on protein structure and function (PolyPhen-2) suggests that this variant is likely to be disruptive. For these reasons, this variant has been classified as Pathogenic.

Literature cited by the submitters: PubMed 18246032; PubMed 35705619.

NM_194277.3(FRMD7):c.812G>T (p.Cys271Phe)

Gene: FRMD7 (FERM domain containing 7; minus strand). Cytogenetic location: Xq26.2.
Variant type: single nucleotide variant.
Coding change: c.812G>T on transcript NM_194277.3 (MANE Select); coding-DNA position 812, G replaced by T.
Protein change: p.Cys271Phe; replaces cysteine 271 with phenylalanine.
Molecular consequence: missense variant.
Genome position (GRCh38, 1-based): chrX:132,082,456, C>A on the plus strand (G>T on the coding strand, the complement: FRMD7 is on the minus strand). VCF-style: chrX-132082456-C-A. GRCh37 (hg19) VCF-style: chrX-131216484-C-A.
Other names: c.767G>T, p.Cys256Phe (NM_001306193.2); short protein forms C271F, C256F.
Identifiers: ClinVar variation 4710884 (VCV004710884.1).
Genomic context (GRCh38, chrX:132,082,456, plus strand): 5'-AGGGTTTTGGGCTTTGATTTGGGCTCTTCCGAAAGCCTGAAGAAAGCATGGTATTCCACA[C>A]AAGTCTTCCAGAAAGCCTTGCAGGCATCTCGGCTGGCCATGGTGAACTCCAAGGTATCCT-3'
Protein context (NP_919253.1, residues 261-281): RDACKAFWKT[Cys271Phe]VEYHAFFRLS